The following is an entry in ClinVar:

ClinVar aggregate classification (germline): Likely benign (0 of 4 stars; one submission).

Conditions:
ANLN-related disorder. Also called: ANLN-related condition.

Allele frequency attached by ClinVar (database versions not stated): TOPMed 0.00005; gnomAD 0.00007; ExAC 0.00002; ESP Exome Variant Server 0.00008.
gnomAD v4.1: 200 of 1,613,886 alleles (0.012%); highest among the groups gnomAD compares: Non-Finnish European, 0.017%; no homozygotes.

Submission:

PreventionGenetics, part of Exact Sciences
Classification: Likely benign for ANLN-related condition. Last evaluated: 2020-04-29. Review status: no assertion criteria provided. Collection method: clinical testing. Allele origin: germline.
Comment: This variant is classified as likely benign based on ACMG/AMP sequence variant interpretation guidelines (Richards et al. 2015 PMID: 25741868, with internal and published modifications).

NM_018685.5(ANLN):c.9G>C (p.Pro3=)

Genes: MATCAP2 (microtubule associated tyrosine carboxypeptidase 2; minus strand), ANLN (anillin, actin binding protein; plus strand). Cytogenetic location: 7p14.2.
Variant type: single nucleotide variant.
Coding change: c.9G>C on transcript NM_018685.5 (MANE Select); coding-DNA position 9, G replaced by C.
Protein change: p.Pro3=; no amino-acid change (proline 3 retained).
Molecular consequence: synonymous variant. On other transcripts: missense variant (1).
Genome position (GRCh38, 1-based): chr7:36,390,035, G>C. VCF-style: chr7-36390035-G-C. GRCh37 (hg19) VCF-style: chr7-36429644-G-C.
Other names: c.40C>G, p.Arg14Gly (NM_001100425.2); c.9G>C, p.Pro3= (NM_001284301.3, NM_001284302.3); short protein forms R14G.
Identifiers: ClinVar variation 3054444 (VCV003054444.2), dbSNP rs372625290, ClinGen allele CA4219222.